The following is an entry in ClinVar:

ClinVar aggregate classification (germline): Uncertain significance (1 of 4 stars; one submission).

Conditions:
O'Donnell-Luria-Rodan syndrome (ODLURO). Also called: KMT2E-Related Neurodevelopmental Disorder. Identifiers: MedGen C5193138, MONDO:0032793, OMIM 618512.

Allele frequency attached by ClinVar (database versions not stated): gnomAD 0.00001; gnomAD exomes 0.00001; ExAC 0.00004; 1000 Genomes Project 30x 0.00016; 1000 Genomes Project 0.00020.
gnomAD v4.1: 17 of 1,613,994 alleles (0.0011%); highest among the groups gnomAD compares: South Asian, 0.019%; no homozygotes.

Submission:

Neuberg Centre For Genomic Medicine, NCGM
Classification: Uncertain significance for O'Donnell-Luria-Rodan syndrome. Review status: criteria provided, single submitter. Criteria: ACMG Guidelines, 2015. Collection method: clinical testing. Allele origin: germline. Inheritance: Autosomal dominant inheritance. Affected: yes.
Comment: The observed missense c.4952C>G(p.Ser1651Cys) variant in KMT2E gene has not been reported previously as a pathogenic variant nor as a benign variant, to our knowledge. This variant is reported with the allele frequency of 0.002% in the gnomAD Exomes. The amino acid Ser at position 1651 is changed to a Cys changing protein sequence and it might alter its composition and physico-chemical properties. The amino acid change p.Ser1651Cys in KMT2E is predicted as conserved by GERP++ and PhyloP across 100 vertebrates. The variant is predicted as damaging by SIFT. For these reasons, this variant has been classified as Uncertain Significance.

NM_182931.3(KMT2E):c.4952C>G (p.Ser1651Cys)

Gene: KMT2E (lysine methyltransferase 2E (inactive); plus strand). Cytogenetic location: 7q22.3.
Variant type: single nucleotide variant.
Coding change: c.4952C>G on transcript NM_182931.3 (MANE Select); coding-DNA position 4952, C replaced by G.
Protein change: p.Ser1651Cys; replaces serine 1651 with cysteine.
Molecular consequence: missense variant.
Genome position (GRCh38, 1-based): chr7:105,112,708, C>G. VCF-style: chr7-105112708-C-G. GRCh37 (hg19) VCF-style: chr7-104753155-C-G.
Other names: c.4826C>G, p.Ser1609Cys (NM_001410908.1); c.4952C>G, p.Ser1651Cys (NM_018682.4); short protein forms S1609C, S1651C.
Identifiers: ClinVar variation 3242044 (VCV003242044.1), dbSNP rs540886477.
Genomic context (GRCh38, chr7:105,112,708, plus strand): 5'-CACCACCACCTGCTCCAGGACCGCACCTTGTACAACAGCCGAATTCCCATCAGCAACACT[C>G]TGTAGCACATGTAGTAGGGCCTGTTCATGCGGTCACCCCTGGGTCGCATATTCATTCTCA-3'
Protein context (NP_891847.1, residues 1641-1661): VQQPNSHQQH[Ser1651Cys]VAHVVGPVHA